The following is an entry in ClinVar:

NM_001366918.1(RNF212):c.631A>G (p.Met211Val)

Gene: RNF212 (ring finger protein 212; minus strand). Cytogenetic location: 4p16.3.
Variant type: single nucleotide variant.
Coding change: c.631A>G on transcript NM_001366918.1; coding-DNA position 631, A replaced by G.
Protein change: p.Met211Val; replaces methionine 211 with valine.
Molecular consequence: missense variant.
Genome position (GRCh38, 1-based): chr4:1,058,337, T>C on the plus strand (A>G on the coding strand, the complement: RNF212 is on the minus strand). VCF-style: chr4-1058337-T-C. GRCh37 (hg19) VCF-style: chr4-1052125-T-C.
Other names: c.631A>G, p.Met211Val (NM_001366919.1); short protein forms M211V.
Identifiers: ClinVar variation 3046854 (VCV003046854.2), dbSNP rs11724371, ClinGen allele CA11675042.
Genomic context (GRCh38, chr4:1,058,337, plus strand): 5'-GGGGTTAGAACGCAGTGAAGAAGGTGCTTGCGGGGGGGCACTACCTGAGAGGCTTTCCCA[T>C]GCTCCTCTGACTCGTTGTCAGGCCGGGATGCTCGGGGCCCAGGGAGGAGACGCTGCCTGT-3'

ClinVar aggregate classification (germline): Benign (0 of 4 stars; one submission).

Conditions:
RNF212-related disorder. Also called: RNF212-related condition.

Allele frequency attached by ClinVar (database versions not stated): 1000 Genomes Project 0.78115; TOPMed 0.81307; 1000 Genomes Project 30x 0.76843.

Submission:

PreventionGenetics, part of Exact Sciences
Classification: Benign for RNF212-related condition. Last evaluated: 2022-03-07. Review status: no assertion criteria provided. Collection method: clinical testing. Allele origin: germline.
Comment: This variant is classified as benign based on ACMG/AMP sequence variant interpretation guidelines (Richards et al. 2015 PMID: 25741868, with internal and published modifications).